The following is an entry in ClinVar:

NM_019066.5(MAGEL2):c.3465G>A (p.Lys1155=)

Gene: MAGEL2 (MAGE family member L2; minus strand). Cytogenetic location: 15q11.2.
Variant type: single nucleotide variant.
Coding change: c.3465G>A on transcript NM_019066.5 (MANE Select); coding-DNA position 3465, G replaced by A.
Protein change: p.Lys1155=; no amino-acid change (lysine 1155 retained).
Molecular consequence: synonymous variant.
Genome position (GRCh38, 1-based): chr15:23,644,278, C>T on the plus strand (G>A on the coding strand, the complement: MAGEL2 is on the minus strand). VCF-style: chr15-23644278-C-T. GRCh37 (hg19) VCF-style: chr15-23889425-C-T.
Identifiers: ClinVar variation 1993631 (VCV001993631.4), dbSNP rs2503974083, ClinGen allele CA489228446.
Genomic context (GRCh38, chr15:23,644,278, plus strand): 5'-AGTGTAAGGGATTCGCCTGTACTCTAGGTACTTCTGCCTGACAAACACTTCGGTGATGAG[C>T]TTCTTAGTATTTCCAAAGAGACCGTTTGTCTCCCGGACATCCAACCCTAACTTGAACAGA-3'
Protein context (NP_061939.3, residues 1145-1165): ETNGLFGNTK[Lys1155=]LITEVFVRQK

ClinVar aggregate classification (germline): Uncertain significance (1 of 4 stars; one submission).

gnomAD v4.1: 2 of 1,613,702 alleles (0.00012%); highest among the groups gnomAD compares: South Asian, 0.0011%; no homozygotes.

Submission:

Labcorp Genetics (formerly Invitae), Labcorp
Classification: Uncertain significance. Last evaluated: 2022-05-12. Review status: criteria provided, single submitter. Criteria: Invitae Variant Classification Sherloc (09022015). Collection method: clinical testing. Allele origin: germline.
Comment: This sequence change affects codon 1155 of the MAGEL2 mRNA. It is a 'silent' change, meaning that it does not change the encoded amino acid sequence of the MAGEL2 protein. This variant is not present in population databases (gnomAD no frequency). This variant has not been reported in the literature in individuals affected with MAGEL2-related conditions. In summary, the available evidence is currently insufficient to determine the role of this variant in disease. Therefore, it has been classified as a Variant of Uncertain Significance.